The following is an entry in ClinVar:

NM_001042492.3(NF1):c.575G>T (p.Arg192Leu)

Gene: NF1 (neurofibromin 1; plus strand). Cytogenetic location: 17q11.2.
Variant type: single nucleotide variant.
Coding change: c.575G>T on transcript NM_001042492.3 (MANE Select); coding-DNA position 575, G replaced by T.
Protein change: p.Arg192Leu; replaces arginine 192 with leucine.
Molecular consequence: missense variant.
Genome position (GRCh38, 1-based): chr17:31,169,986, G>T. VCF-style: chr17-31169986-G-T. GRCh37 (hg19) VCF-style: chr17-29497004-G-T.
Other names: c.575G>T, p.Arg192Leu (NM_000267.4, NM_001128147.3); short protein forms R192L.
Identifiers: ClinVar variation 5025581 (VCV005025581.1).

ClinVar aggregate classification (germline): Uncertain significance (1 of 4 stars; one submission).

Conditions:
Cardiovascular phenotype. Identifiers: MedGen CN230736.
Hereditary cancer-predisposing syndrome. Also called: Neoplastic Syndromes, Hereditary; Tumor predisposition; Hereditary neoplastic syndrome; Hereditary Cancer Syndrome. Identifiers: Orphanet 140162, MedGen C0027672, MeSH D009386, MONDO:0015356.

Submission:

Ambry Genetics
Classification: Uncertain significance for Cardiovascular phenotype; Hereditary cancer-predisposing syndrome. Last evaluated: 2026-07-21. Review status: criteria provided, single submitter. Criteria: Ambry Variant Classification Scheme 2023. Collection method: clinical testing. Allele origin: germline.
Comment: The p.R192L variant (also known as c.575G>T), located in coding exon 5 of the NF1 gene, results from a G to T substitution at nucleotide position 575. The arginine at codon 192 is replaced by leucine, an amino acid with dissimilar properties. This amino acid position is highly conserved in available vertebrate species. In addition, this alteration is predicted to be deleterious by in silico analysis. Based on the available evidence, the clinical significance of this variant remains unclear.